The following is an entry in ClinVar:

NM_001035.3(RYR2):c.4831A>G (p.Ile1611Val)

Gene: RYR2 (ryanodine receptor 2; plus strand). Cytogenetic location: 1q43.
Variant type: single nucleotide variant.
Coding change: c.4831A>G on transcript NM_001035.3 (MANE Select); coding-DNA position 4831, A replaced by G.
Protein change: p.Ile1611Val; replaces isoleucine 1611 with valine.
Molecular consequence: missense variant.
Genome position (GRCh38, 1-based): chr1:237,610,909, A>G. VCF-style: chr1-237610909-A-G. GRCh37 (hg19) VCF-style: chr1-237774209-A-G.
Other names: c.4831A>G, p.Ile1611Val (LRG_402t1); short protein forms I1611V.
Identifiers: ClinVar variation 629741 (VCV000629741.17), dbSNP rs755572625, ClinGen allele CA086744.

ClinVar aggregate classification (germline): Uncertain significance. Review status: criteria provided, multiple submitters, no conflicts (2 of 4 stars). 5 submissions from 5 submitters: Uncertain significance (5). Last evaluated 2024-03-06.

Conditions:
Cardiovascular phenotype. Identifiers: MedGen CN230736.
Catecholaminergic polymorphic ventricular tachycardia (CVPT). Also called: Catecholamine-induced polymorphic ventricular tachycardia. Identifiers: Orphanet 3286, MedGen C5574922, MONDO:0017990.
Catecholaminergic polymorphic ventricular tachycardia 1. Also called: RYR2-Related Catecholaminergic Polymorphic Ventricular Tachycardia; VENTRICULAR TACHYCARDIA, CATECHOLAMINERGIC POLYMORPHIC, 1, WITH OR WITHOUT ATRIAL DYSFUNCTION AND/OR DILATED CARDIOMYOPATHY; VENTRICULAR TACHYCARDIA, STRESS-INDUCED POLYMORPHIC 1. Identifiers: Orphanet 3286, MedGen C1631597, MONDO:0011484, OMIM 604772.
Cardiomyopathy (CMYO). Also called: Cardiomyopathies. Identifiers: Orphanet 167848, MedGen C0878544, MONDO:0004994, HP:0001638. Inheritance: Various modes of inheritance.

Allele frequency attached by ClinVar (database versions not stated): gnomAD exomes below 0.00001 and 0.00001; TOPMed below 0.00001; ExAC 0.00001; gnomAD 0.00001.
gnomAD v4.1: 13 of 1,613,424 alleles (0.00081%); highest among the groups gnomAD compares: African/African-American, 0.0013%; no homozygotes.

Submissions (5):

Color Diagnostics, LLC DBA Color Health
Classification: Uncertain significance for Cardiomyopathy. Last evaluated: 2024-03-06. Review status: criteria provided, single submitter. Criteria: ACMG Guidelines, 2015. Collection method: clinical testing. Allele origin: germline.
Comment: This missense variant replaces isoleucine with valine at codon 1611 of the RYR2 protein. Computational prediction suggests that this variant may not impact protein structure and function (internally defined REVEL score threshold <= 0.5, PMID: 27666373). Splice site prediction tools suggest that this variant may impact RNA splicing. To our knowledge, functional studies have not been reported for this variant. This variant has not been reported in individuals affected with RYR2-related disorders in the literature. This variant has been identified in 1/248422 chromosomes in the general population by the Genome Aggregation Database (gnomAD). The available evidence is insufficient to determine the role of this variant in disease conclusively. Therefore, this variant is classified as a Variant of Uncertain Significance.

All of Us Research Program, National Institutes of Health
Classification: Uncertain significance for Catecholaminergic polymorphic ventricular tachycardia. Last evaluated: 2023-05-04. Review status: criteria provided, single submitter. Criteria: ACMG Guidelines, 2015. Collection method: clinical testing. Allele origin: germline. Inheritance: Autosomal dominant inheritance. Observed: 2 variant alleles, 2 heterozygotes.
Comment: This missense variant replaces isoleucine with valine at codon 1611 of the RYR2 protein. Computational prediction suggests that this variant may not impact protein structure and function (internally defined REVEL score threshold <= 0.5, PMID: 27666373). Splice site prediction tools suggest that this variant may impact RNA splicing. To our knowledge, functional studies have not been reported for this variant. This variant has not been reported in individuals affected with RYR2-related disorders in the literature. This variant has been identified in 1/248422 chromosomes in the general population by the Genome Aggregation Database (gnomAD). The available evidence is insufficient to determine the role of this variant in disease conclusively. Therefore, this variant is classified as a Variant of Uncertain Significance.

This study involves interpretation of variants in research participants for the purpose of population health screening. Participant phenotype was not available at the time of variant classification. Additional details can be found in publication PMID: 35346344, PMCID: PMC8962531

GeneDx
Classification: Uncertain significance. Last evaluated: 2023-01-10. Review status: criteria provided, single submitter. Criteria: GeneDx Variant Classification Process June 2021. Collection method: clinical testing. Allele origin: germline. Affected: yes.
Comment: Has not been previously published as pathogenic or benign to our knowledge; Not observed at significant frequency in large population cohorts (gnomAD); In silico analysis supports that this missense variant does not alter protein structure/function; In silico analysis supports a deleterious effect on splicing; Not located in one of the three hot-spot regions of the RYR2 gene, where the majority of pathogenic missense variants occur (Medeiros-Domingo et al., 2009); This variant is associated with the following publications: (PMID: 19926015)

Ambry Genetics
Classification: Uncertain significance for Cardiovascular phenotype. Last evaluated: 2022-11-17. Review status: criteria provided, single submitter. Criteria: Ambry Variant Classification Scheme 2023. Collection method: clinical testing. Allele origin: germline.
Comment: The p.I1611V variant (also known as c.4831A>G), located in coding exon 36 of the RYR2 gene, results from an A to G substitution at nucleotide position 4831. The isoleucine at codon 1611 is replaced by valine, an amino acid with highly similar properties. This amino acid position is not well conserved in available vertebrate species. In addition, this alteration is predicted to be tolerated by in silico analysis. Since supporting evidence is limited at this time, the clinical significance of this alteration remains unclear.

Labcorp Genetics (formerly Invitae), Labcorp
Classification: Uncertain significance for Catecholaminergic polymorphic ventricular tachycardia 1. Last evaluated: 2022-07-11. Review status: criteria provided, single submitter. Criteria: Invitae Variant Classification Sherloc (09022015). Collection method: clinical testing. Allele origin: germline.
Comment: Algorithms developed to predict the effect of sequence changes on RNA splicing suggest that this variant may create or strengthen a splice site. In summary, the available evidence is currently insufficient to determine the role of this variant in disease. Therefore, it has been classified as a Variant of Uncertain Significance. Advanced modeling of protein sequence and biophysical properties (such as structural, functional, and spatial information, amino acid conservation, physicochemical variation, residue mobility, and thermodynamic stability) performed at Invitae indicates that this missense variant is not expected to disrupt RYR2 protein function. ClinVar contains an entry for this variant (Variation ID: 629741). This variant has not been reported in the literature in individuals affected with RYR2-related conditions. This variant is present in population databases (rs755572625, gnomAD 0.0009%). This sequence change replaces isoleucine, which is neutral and non-polar, with valine, which is neutral and non-polar, at codon 1611 of the RYR2 protein (p.Ile1611Val).